The following is an entry in ClinVar:

NM_013352.4(DSE):c.2729C>G (p.Ala910Gly)

Gene: DSE (dermatan sulfate epimerase; plus strand). Cytogenetic location: 6q22.1.
Variant type: single nucleotide variant.
Coding change: c.2729C>G on transcript NM_013352.4 (MANE Select); coding-DNA position 2729, C replaced by G.
Protein change: p.Ala910Gly; replaces alanine 910 with glycine.
Molecular consequence: missense variant. On other transcripts: 3 prime UTR variant (2), non-coding transcript variant (1).
Genome position (GRCh38, 1-based): chr6:116,437,197, C>G. VCF-style: chr6-116437197-C-G. GRCh37 (hg19) VCF-style: chr6-116758360-C-G.
Other names: c.2729C>G, p.Ala910Gly (NM_001080976.3, NM_001322937.2, NM_001322938.2); c.2786C>G, p.Ala929Gly (NM_001322939.2); c.2168C>G, p.Ala723Gly (NM_001322940.2, NM_001322941.2); c.*1594C>G (NM_001322943.2, NM_001322944.2); c.1730C>G, p.Ala577Gly (NM_001374520.1); c.1694C>G, p.Ala565Gly (NM_001374521.1); c.2729C>G (NM_013352.2); short protein forms A577G, A929G, A723G, A565G, A910G.
Identifiers: ClinVar variation 1387864 (VCV001387864.4), dbSNP rs377694163, ClinGen allele CA3969864.

ClinVar aggregate classification (germline): Uncertain significance. Review status: criteria provided, multiple submitters, no conflicts (2 of 4 stars). 2 submissions from 2 submitters: Uncertain significance (2). Last evaluated 2025-10-29.

Conditions:
Inborn genetic diseases. Identifiers: MedGen C0950123, MeSH D030342.
Ehlers-Danlos syndrome, musculocontractural type 2 (EDSMC2). Identifiers: Orphanet 2953, MedGen C3809845, MONDO:0014236, OMIM 615539.

Allele frequency attached by ClinVar (database versions not stated): ExAC 0.00001; ESP Exome Variant Server 0.00008; gnomAD exomes 0.00002 and 0.00001; gnomAD 0.00004 and 0.00003; TOPMed 0.00003.
gnomAD v4.1: 37 of 1,613,980 alleles (0.0023%); highest among the groups gnomAD compares: Non-Finnish European, 0.003%; no homozygotes.

Submissions (2):

Ambry Genetics
Classification: Uncertain significance for Inborn genetic diseases. Last evaluated: 2025-10-29. Review status: criteria provided, single submitter. Criteria: Ambry Variant Classification Scheme 2023. Collection method: clinical testing. Allele origin: germline.

Labcorp Genetics (formerly Invitae), Labcorp
Classification: Uncertain significance for Ehlers-Danlos syndrome, musculocontractural type 2. Last evaluated: 2021-10-24. Review status: criteria provided, single submitter. Criteria: Invitae Variant Classification Sherloc (09022015). Collection method: clinical testing. Allele origin: germline.
Comment: This sequence change replaces alanine, which is neutral and non-polar, with glycine, which is neutral and non-polar, at codon 910 of the DSE protein (p.Ala910Gly). This variant is present in population databases (rs377694163, gnomAD 0.008%). This variant has not been reported in the literature in individuals affected with DSE-related conditions. Algorithms developed to predict the effect of missense changes on protein structure and function are either unavailable or do not agree on the potential impact of this missense change (SIFT: "Not Available"; PolyPhen-2: "Benign"; Align-GVGD: "Not Available"). In summary, the available evidence is currently insufficient to determine the role of this variant in disease. Therefore, it has been classified as a Variant of Uncertain Significance.